The following is an entry in ClinVar:

ClinVar aggregate classification (germline): Conflicting classifications of pathogenicity. Review status: criteria provided, conflicting classifications (1 of 4 stars). 5 submissions from 5 submitters: Uncertain significance (4); Likely benign (1). Last evaluated 2024-08-26.

Conditions:
Episodic ataxia type 2 (EA2). Also called: EPISODIC ATAXIA, NYSTAGMUS-ASSOCIATED; ACETAZOLAMIDE-RESPONSIVE HEREDITARY PAROXYSMAL CEREBELLAR ATAXIA; ATAXIA, EPISODIC, WITH NYSTAGMUS; ATAXIA, FAMILIAL PAROXYSMAL; CEREBELLAR ATAXIA, PAROXYSMAL, ACETAZOLAMIDE-RESPONSIVE; CEREBELLOPATHY, HEREDITARY PAROXYSMAL. Identifiers: Orphanet 97, MedGen C1720416, MONDO:0007163, OMIM 108500.
Developmental and epileptic encephalopathy, 42 (DEE42A). Also called: DEVELOPMENTAL AND EPILEPTIC ENCEPHALOPATHY 42A; EPILEPTIC ENCEPHALOPATHY, EARLY INFANTILE, 42A; Epileptic encephalopathy, early infantile, 42. Identifiers: MedGen C4310716, MONDO:0014917, OMIM 617106.
Spinocerebellar ataxia type 6 (SCA6). Identifiers: Orphanet 98758, MedGen C0752124, MONDO:0008457, OMIM 183086.
Migraine, familial hemiplegic, 1. Also called: MIGRAINE, FAMILIAL HEMIPLEGIC 1, WITH PROGRESSIVE CEREBELLAR ATAXIA. Identifiers: Orphanet 569, MedGen C1832884, MONDO:0020756, OMIM 141500, MONDO:0007714.
Inborn genetic diseases. Identifiers: MedGen C0950123, MeSH D030342.

Allele frequency attached by ClinVar (database versions not stated): gnomAD exomes 0.00001; TOPMed 0.00001; ExAC 0.00001; gnomAD 0.00001.
gnomAD v4.1: 32 of 1,613,722 alleles (0.002%); highest among the groups gnomAD compares: South Asian, 0.0066%; no homozygotes.

Submissions (5):

Ambry Genetics
Classification: Uncertain significance for Inborn genetic diseases. Last evaluated: 2024-08-26. Review status: criteria provided, single submitter. Criteria: Ambry Variant Classification Scheme 2023. Collection method: clinical testing. Allele origin: germline.

Fulgent Genetics
Classification: Uncertain significance for Episodic ataxia type 2; Migraine, familial hemiplegic, 1; Spinocerebellar ataxia type 6; Developmental and epileptic encephalopathy, 42. Last evaluated: 2024-05-22. Review status: criteria provided, single submitter. Criteria: ACMG Guidelines, 2015. Collection method: clinical testing. Allele origin: germline.

Labcorp Genetics (formerly Invitae), Labcorp
Classification: Likely benign for Developmental and epileptic encephalopathy, 42; Episodic ataxia type 2. Last evaluated: 2023-07-17. Review status: criteria provided, single submitter. Criteria: Invitae Variant Classification Sherloc (09022015). Collection method: clinical testing. Allele origin: germline.

Neuberg Centre For Genomic Medicine, NCGM
Classification: Uncertain significance for Developmental and epileptic encephalopathy, 42. Last evaluated: 2023-06-22. Review status: criteria provided, single submitter. Criteria: ACMG Guidelines, 2015. Collection method: clinical testing. Allele origin: germline. Inheritance: Autosomal dominant inheritance. Affected: yes.
Comment: The missense variant c.5336G>A (p.Arg1779Gln) in the CACNA1A gene has not been reported previously as a pathogenic variant nor as a benign variant, to our knowledge. This variant is reported with the allele frequency (0.0003%) in the gnomAD Exomes. This variant has been reported to the ClinVar database as Uncertain Significance. However, no details are available for independent assessment. The amino acid Arg at position 1779 is changed to a Gln changing protein sequence and it might alter its composition and physico-chemical properties. Computational evidence (Polyphen, SIFT and MutationTaster) predicts conflicting evidence on protein structure and function for this variant. The amino acid change p.Arg1779Gln in CACNA1A is predicted as conserved by GERP++ and PhyloP across 100 vertebrates. For these reasons, this variant has been classified as Uncertain Significance.

Athena Diagnostics
Classification: Uncertain significance. Last evaluated: 2020-04-08. Review status: criteria provided, single submitter. Criteria: Athena Diagnostics Criteria. Collection method: clinical testing. Allele origin: unknown.

NM_001127222.2(CACNA1A):c.5336G>A (p.Arg1779Gln)

Gene: CACNA1A (calcium voltage-gated channel subunit alpha1 A; minus strand). Cytogenetic location: 19p13.13.
Variant type: single nucleotide variant.
Coding change: c.5336G>A on transcript NM_001127222.2 (MANE Select); coding-DNA position 5336, G replaced by A.
Protein change: p.Arg1779Gln; replaces arginine 1779 with glutamine.
Molecular consequence: missense variant.
Genome position (GRCh38, 1-based): chr19:13,231,774, C>T on the plus strand (G>A on the coding strand, the complement: CACNA1A is on the minus strand). VCF-style: chr19-13231774-C-T. GRCh37 (hg19) VCF-style: chr19-13342588-C-T.
Other names: c.5354G>A, p.Arg1785Gln (NM_000068.4, NM_023035.3); c.5339G>A, p.Arg1780Gln (NM_001127221.2); c.5345G>A, p.Arg1782Gln (NM_001174080.2); short protein forms R1780Q, R1779Q, R1785Q, R1782Q.
Identifiers: ClinVar variation 80951 (VCV000080951.15), dbSNP rs267605294, ClinGen allele CA9239759.